The following is an entry in ClinVar:

ClinVar aggregate classification (germline): Conflicting classifications of pathogenicity. Review status: criteria provided, conflicting classifications (1 of 4 stars). 5 submissions from 5 submitters: Uncertain significance (2); Likely benign (1). 2 of the submissions do not count toward it. Last evaluated 2024-10-23.

Conditions:
Joubert syndrome 23 (JBTS23). Identifiers: Orphanet 475, MedGen C4084822, MONDO:0014664, OMIM 616490.
Short-rib thoracic dysplasia 14 with polydactyly (SRTD14). Identifiers: Orphanet 397715, MedGen C4225286, MONDO:0014688, OMIM 616546.

Allele frequency attached by ClinVar (database versions not stated): gnomAD 0.00041 and 0.00040; TOPMed 0.00037; gnomAD exomes 0.00059 and 0.00033.
gnomAD v4.1: 866 of 1,535,424 alleles (0.056%); highest among the groups gnomAD compares: Non-Finnish European, 0.073%; no homozygotes.

Submissions (5):

Blueprint Genetics
Classification: Likely benign. Last evaluated: 2024-10-23. Review status: criteria provided, single submitter. Criteria: ACMG Guidelines, 2015. Collection method: clinical testing. Allele origin: germline.

GeneDx
Classification: Uncertain significance. Last evaluated: 2023-08-21. Review status: criteria provided, single submitter. Criteria: GeneDx Variant Classification Process June 2021. Collection method: clinical testing. Allele origin: germline. Affected: yes.
Comment: In silico analysis supports that this missense variant does not alter protein structure/function; Has not been previously published as pathogenic or benign to our knowledge

Labcorp Genetics (formerly Invitae), Labcorp
Classification: Uncertain significance for Joubert syndrome 23; Short-rib thoracic dysplasia 14 with polydactyly. Last evaluated: 2022-10-13. Review status: criteria provided, single submitter. Criteria: Invitae Variant Classification Sherloc (09022015). Collection method: clinical testing. Allele origin: germline.
Comment: This sequence change replaces phenylalanine, which is neutral and non-polar, with cysteine, which is neutral and slightly polar, at codon 2 of the KIAA0586 protein (p.Phe2Cys). This variant is present in population databases (rs551740936, gnomAD 0.08%). This variant has not been reported in the literature in individuals affected with KIAA0586-related conditions. ClinVar contains an entry for this variant (Variation ID: 840993). Algorithms developed to predict the effect of missense changes on protein structure and function are either unavailable or do not agree on the potential impact of this missense change (SIFT: "Tolerated"; PolyPhen-2: "Possibly Damaging"; Align-GVGD: "Class C0"). In summary, the available evidence is currently insufficient to determine the role of this variant in disease. Therefore, it has been classified as a Variant of Uncertain Significance.

Clinical Genetics DNA and cytogenetics Diagnostics Lab, Erasmus MC, Erasmus Medical Center
Classification: Uncertain significance. Review status: no assertion criteria provided. Collection method: clinical testing. Allele origin: germline. Affected: yes. Study: VKGL Data-share Consensus. Not counted in ClinVar's aggregate classification.

Diagnostic Laboratory, Department of Genetics, University Medical Center Groningen
Classification: Uncertain significance. Review status: no assertion criteria provided. Collection method: clinical testing. Allele origin: germline. Affected: yes. Study: VKGL Data-share Consensus. Not counted in ClinVar's aggregate classification.

NM_001244189.2(KIAA0586):c.5T>G (p.Phe2Cys)

Gene: KIAA0586 (KIAA0586; plus strand). Cytogenetic location: 14q23.1.
Variant type: single nucleotide variant.
Coding change: c.5T>G on transcript NM_001244189.2; coding-DNA position 5, T replaced by G.
Protein change: p.Phe2Cys; replaces phenylalanine 2 with cysteine.
Molecular consequence: missense variant. On other transcripts: 5 prime UTR variant (3).
Genome position (GRCh38, 1-based): chr14:58,427,633, T>G. VCF-style: chr14-58427633-T-G. GRCh37 (hg19) VCF-style: chr14-58894351-T-G.
Other names: c.-43T>G (NM_001244190.2); c.-61T>G (NM_001244191.2, NM_001244192.2); short protein forms F2C.
Identifiers: ClinVar variation 840993 (VCV000840993.15), dbSNP rs551740936, ClinGen allele CA261632078.